The following is an entry in ClinVar:

ClinVar aggregate classification (germline): Benign. Review status: criteria provided, multiple submitters, no conflicts (2 of 4 stars). 7 submissions from 7 submitters: Benign (6). 1 of the submissions does not count toward it. Last evaluated 2026-02-03.

Conditions:
PHARC syndrome. Also called: Polyneuropathy-hearing loss-ataxia-retinitis pigmentosa-cataract syndrome. Identifiers: Orphanet 171848, MedGen C2675204, MONDO:0012984, OMIM 612674.

Allele frequency attached by ClinVar (database versions not stated): 1000 Genomes Project 0.01837; 1000 Genomes Project 30x 0.01999; gnomAD 0.03950 and 0.04054; TOPMed 0.03966; gnomAD exomes 0.04161 and 0.05811; ESP Exome Variant Server 0.04267; ExAC 0.04289.
gnomAD v4.1: 90,556 of 1,613,332 alleles (5.6%); highest among the groups gnomAD compares: Non-Finnish European, 6.7%; 3,013 homozygotes.

Submissions (7):

Labcorp Genetics (formerly Invitae), Labcorp
Classification: Benign. Last evaluated: 2026-02-03. Review status: criteria provided, single submitter. Criteria: Invitae Variant Classification Sherloc (09022015). Collection method: clinical testing. Allele origin: germline.

Mayo Clinic Laboratories, Mayo Clinic
Classification: Benign. Last evaluated: 2022-03-24. Review status: criteria provided, single submitter. Criteria: ACMG Guidelines, 2015. Collection method: clinical testing. Allele origin: germline. Observed: 68 variant alleles.

Athena Diagnostics
Classification: Benign. Last evaluated: 2018-08-31. Review status: criteria provided, single submitter. Criteria: Athena Diagnostics Criteria. Collection method: clinical testing. Allele origin: germline.

Illumina Laboratory Services, Illumina
Classification: Benign for PHARC syndrome. Last evaluated: 2018-01-12. Review status: criteria provided, single submitter. Criteria: ICSL Variant Classification Criteria 13 December 2019. Collection method: clinical testing. Allele origin: germline.
Comment: This variant was observed in the ICSL laboratory as part of a predisposition screen in an ostensibly healthy population. It had not been previously curated by ICSL or reported in the Human Gene Mutation Database (HGMD: prior to June 1st, 2018), and was therefore a candidate for classification through an automated scoring system. Utilizing variant allele frequency, disease prevalence and penetrance estimates, and inheritance mode, an automated score was calculated to assess if this variant is too frequent to cause the disease. Based on the score and internal cut-off values, a variant classified as benign is not then subjected to further curation. The score for this variant resulted in a classification of benign for this disease.

GeneDx
Classification: Benign. Last evaluated: 2017-05-09. Review status: criteria provided, single submitter. Criteria: GeneDx Variant Classification (06012015). Collection method: clinical testing. Allele origin: germline. Affected: yes.
Comment: This variant is considered likely benign or benign based on one or more of the following criteria: it is a conservative change, it occurs at a poorly conserved position in the protein, it is predicted to be benign by multiple in silico algorithms, and/or has population frequency not consistent with disease.

Breakthrough Genomics
Classification: Benign. Review status: criteria provided, single submitter. Criteria: ACMG Guidelines, 2015. Collection method: not provided. Allele origin: germline. Inheritance: Autosomal recessive inheritance. Affected: yes.

Genetic Services Laboratory, University of Chicago
Classification: Likely benign for AllHighlyPenetrant. Review status: no assertion criteria provided. Collection method: clinical testing. Allele origin: germline. Inheritance: Autosomal recessive inheritance. Not counted in ClinVar's aggregate classification.
Comment: Likely benign based on allele frequency in 1000 Genomes Project or ESP global frequency and its presence in a patient with a rare or unrelated disease phenotype. NOT Sanger confirmed.

NM_001042472.3(ABHD12):c.1045G>A (p.Ala349Thr)

Gene: ABHD12 (abhydrolase domain containing 12, lysophospholipase; minus strand). Cytogenetic location: 20p11.21.
Variant type: single nucleotide variant.
Coding change: c.1045G>A on transcript NM_001042472.3 (MANE Select); coding-DNA position 1045, G replaced by A.
Protein change: p.Ala349Thr; replaces alanine 349 with threonine.
Molecular consequence: missense variant.
Genome position (GRCh38, 1-based): chr20:25,302,331, C>T on the plus strand (G>A on the coding strand, the complement: ABHD12 is on the minus strand). VCF-style: chr20-25302331-C-T. GRCh37 (hg19) VCF-style: chr20-25282967-C-T.
Other names: c.1045G>A, p.Ala349Thr (NM_015600.5); short protein forms A349T.
Identifiers: ClinVar variation 128253 (VCV000128253.20), dbSNP rs746748, ClinGen allele CA151556.